The following is an entry in ClinVar:

ClinVar aggregate classification (germline): Benign/Likely benign. Review status: criteria provided, multiple submitters, no conflicts (2 of 4 stars). 5 submissions from 5 submitters: Benign (4); Likely benign (1). Last evaluated 2026-02-03.

Submissions (5):

Labcorp Genetics (formerly Invitae), Labcorp
Classification: Benign. Last evaluated: 2026-02-03. Review status: criteria provided, single submitter. Criteria: Invitae Variant Classification Sherloc (09022015). Collection method: clinical testing. Allele origin: germline.

ARUP Laboratories, Molecular Genetics and Genomics, ARUP Laboratories
Classification: Benign. Last evaluated: 2025-03-17. Review status: criteria provided, single submitter. Criteria: ARUP Molecular Germline Variant Investigation Process 2024. Collection method: clinical testing. Allele origin: germline.

Mayo Clinic Laboratories, Mayo Clinic
Classification: Benign. Last evaluated: 2025-03-11. Review status: criteria provided, single submitter. Criteria: ACMG Guidelines, 2015. Collection method: clinical testing. Allele origin: germline. Observed: 1 variant allele.
Comment: BA1

Blueprint Genetics
Classification: Likely benign. Last evaluated: 2024-08-05. Review status: criteria provided, single submitter. Criteria: ACMG Guidelines, 2015. Collection method: clinical testing. Allele origin: germline.

GeneDx
Classification: Benign. Last evaluated: 2020-05-19. Review status: criteria provided, single submitter. Criteria: GeneDx Variant Classification Process June 2021. Collection method: clinical testing. Allele origin: germline. Affected: yes.

NM_004958.4(MTOR):c.841-13_841-11del

Gene: MTOR (mechanistic target of rapamycin kinase; minus strand). Cytogenetic location: 1p36.22.
Variant type: Microsatellite.
Coding change: c.841-13_841-11del on transcript NM_004958.4 (MANE Select); 13 bases into the intron before coding-DNA position 841 through 11 bases into the intron before coding-DNA position 841, 3 bases deleted (CTC; older notation c.841-13_841-11delCTC).
Molecular consequence: intron variant.
Genome position (GRCh38, 1-based): chr1:11,248,105-11,248,107, GAG deleted on the plus strand (CTC on the coding strand, the reverse complement: MTOR is on the minus strand); deleting any 3 consecutive bases within chr1:11,248,105-11,248,112 gives the same sequence; the c. name uses the placement nearest the transcript's 3' end. VCF-style (leftmost placement, unchanged base first): chr1-11248104-TGAG-T. GRCh37 (hg19) VCF-style: chr1-11308161-TGAG-T.
Other names: p.?; c.-299-13_-299-11del (NM_001386501.1); c.841-13_841-11del (NM_001386500.1).
Identifiers: ClinVar variation 1235116 (VCV001235116.14), dbSNP rs528498609, ClinGen allele CA590860.